The following is an entry in ClinVar:

NM_014714.4(IFT140):c.2714A>G (p.His905Arg)

Gene: IFT140 (intraflagellar transport 140; minus strand). Cytogenetic location: 16p13.3.
Variant type: single nucleotide variant.
Coding change: c.2714A>G on transcript NM_014714.4 (MANE Select); coding-DNA position 2714, A replaced by G.
Protein change: p.His905Arg; replaces histidine 905 with arginine.
Molecular consequence: missense variant.
Genome position (GRCh38, 1-based): chr16:1,525,941, T>C on the plus strand (A>G on the coding strand, the complement: IFT140 is on the minus strand). VCF-style: chr16-1525941-T-C. GRCh37 (hg19) VCF-style: chr16-1575942-T-C.
Other names: short protein forms H905R.
Identifiers: ClinVar variation 836000 (VCV000836000.9), dbSNP rs1255418645, ClinGen allele CA394227283.

ClinVar aggregate classification (germline): Uncertain significance (1 of 4 stars; one submission).

Conditions:
Saldino-Mainzer syndrome (SRTD9). Also called: short-rib thoracic dysplasia 9 with or without polydactyly; SHORT-RIB THORACIC DYSPLASIA 9 WITHOUT POLYDACTYLY; CONORENAL SYNDROME; Renal dysplasia, retinal pigmentary dystrophy, cerebellar ataxia and skeletal dysplasia. Identifiers: Orphanet 140969, MedGen C1849437, MONDO:0009964, OMIM 266920.

Allele frequency attached by ClinVar (database versions not stated): TOPMed below 0.00001; gnomAD exomes 0.00001.
gnomAD v4.1: 4 of 1,576,304 alleles (0.00025%); highest among the groups gnomAD compares: East Asian, 0.0023%; no homozygotes.

Submission:

Labcorp Genetics (formerly Invitae), Labcorp
Classification: Uncertain significance for Saldino-Mainzer syndrome. Last evaluated: 2022-02-24. Review status: criteria provided, single submitter. Criteria: Invitae Variant Classification Sherloc (09022015). Collection method: clinical testing. Allele origin: germline.
Comment: The frequency data for this variant in the population databases is considered unreliable, as metrics indicate poor data quality at this position in the gnomAD database. This variant has not been reported in the literature in individuals affected with IFT140-related conditions. ClinVar contains an entry for this variant (Variation ID: 836000). Algorithms developed to predict the effect of missense changes on protein structure and function are either unavailable or do not agree on the potential impact of this missense change (SIFT: "Deleterious"; PolyPhen-2: "Benign"; Align-GVGD: "Class C0"). In summary, the available evidence is currently insufficient to determine the role of this variant in disease. Therefore, it has been classified as a Variant of Uncertain Significance. This sequence change replaces histidine, which is basic and polar, with arginine, which is basic and polar, at codon 905 of the IFT140 protein (p.His905Arg).